The following is an entry in ClinVar:

ClinVar aggregate classification (germline): Uncertain significance. Review status: criteria provided, multiple submitters, no conflicts (2 of 4 stars). 2 submissions from 2 submitters: Uncertain significance (2). Last evaluated 2025-10-02.

Conditions:
Inborn genetic diseases. Identifiers: MedGen C0950123, MeSH D030342.
Bardet-Biedl syndrome (BBS). Identifiers: Orphanet 110, MedGen C0752166, MONDO:0015229.
McKusick-Kaufman syndrome (MKKS). Also called: HYDROMETROCOLPOS SYNDROME; HYDROMETROCOLPOS, POSTAXIAL POLYDACTYLY, AND CONGENITAL HEART MALFORMATION. Identifiers: Orphanet 2473, MedGen C0948368, MONDO:0009367, OMIM 236700.

gnomAD v4.1: 2 of 1,613,106 alleles (0.00012%); highest among the groups gnomAD compares: Non-Finnish European, 0.00017%; no homozygotes.

Submissions (2):

Ambry Genetics
Classification: Uncertain significance for Inborn genetic diseases. Last evaluated: 2025-10-02. Review status: criteria provided, single submitter. Criteria: Ambry Variant Classification Scheme 2023. Collection method: clinical testing. Allele origin: germline.

Labcorp Genetics (formerly Invitae), Labcorp
Classification: Uncertain significance for McKusick-Kaufman syndrome; Bardet-Biedl syndrome. Last evaluated: 2024-02-23. Review status: criteria provided, single submitter. Criteria: Invitae Variant Classification Sherloc (09022015). Collection method: clinical testing. Allele origin: germline.
Comment: This sequence change replaces histidine, which is basic and polar, with tyrosine, which is neutral and polar, at codon 423 of the MKKS protein (p.His423Tyr). This variant is not present in population databases (gnomAD no frequency). This variant has not been reported in the literature in individuals affected with MKKS-related conditions. ClinVar contains an entry for this variant (Variation ID: 1383917). Advanced modeling of protein sequence and biophysical properties (such as structural, functional, and spatial information, amino acid conservation, physicochemical variation, residue mobility, and thermodynamic stability) performed at Invitae indicates that this missense variant is not expected to disrupt MKKS protein function with a negative predictive value of 80%. In summary, the available evidence is currently insufficient to determine the role of this variant in disease. Therefore, it has been classified as a Variant of Uncertain Significance.

NM_170784.3(MKKS):c.1267C>T (p.His423Tyr)

Gene: MKKS (MKKS centrosomal shuttling protein; minus strand). Cytogenetic location: 20p12.2.
Variant type: single nucleotide variant.
Coding change: c.1267C>T on transcript NM_170784.3 (MANE Select); coding-DNA position 1267, C replaced by T.
Protein change: p.His423Tyr; replaces histidine 423 with tyrosine.
Molecular consequence: missense variant. On other transcripts: non-coding transcript variant (1).
Genome position (GRCh38, 1-based): chr20:10,407,621, G>A on the plus strand (C>T on the coding strand, the complement: MKKS is on the minus strand). VCF-style: chr20-10407621-G-A. GRCh37 (hg19) VCF-style: chr20-10388269-G-A.
Other names: c.1267C>T, p.His423Tyr (NM_018848.3); c.1267C>T (NM_018848.2); short protein forms H423Y.
Identifiers: ClinVar variation 1383917 (VCV001383917.6), dbSNP rs2122223791, ClinGen allele CA408231286.